The following is an entry in ClinVar:

ClinVar aggregate classification (germline): Conflicting classifications of pathogenicity. Review status: criteria provided, conflicting classifications (1 of 4 stars). 3 submissions from 3 submitters: Uncertain significance (2); Likely benign (1). Last evaluated 2025-04-01.

Conditions:
Developmental delay with dysmorphic facies and dental anomalies. Identifiers: MedGen C5543197, MONDO:0030988, OMIM 619228.

Submissions (3):

CeGaT Center for Human Genetics Tuebingen
Classification: Uncertain significance. Last evaluated: 2025-04-01. Review status: criteria provided, single submitter. Criteria: CeGaT Center For Human Genetics Tuebingen Variant Classification Criteria Version 2. Collection method: clinical testing. Allele origin: germline. Affected: yes. Observed: 1 variant allele.
Comment: SATB1: PM4

Laboratory of Genetics, Children's Clinical University Hospital Latvia
Classification: Likely benign. Last evaluated: 2025-02-16. Review status: criteria provided, single submitter. Criteria: ACMG Guidelines, 2015. Collection method: clinical testing. Allele origin: germline. Affected: yes.

Institute of Immunology and Genetics Kaiserslautern
Classification: Uncertain significance for Developmental delay with dysmorphic facies and dental anomalies. Last evaluated: 2024-03-15. Review status: criteria provided, single submitter. Criteria: ACMG Guidelines, 2015. Collection method: clinical testing. Allele origin: paternal. Affected: yes.
Comment: ACMG Criteria: PM4; Variant was found in heterozygous state

NM_002971.6(SATB1):c.1366_1371dup (p.Ala457_Met458insSerAla)

Gene: SATB1 (SATB homeobox 1; minus strand). Cytogenetic location: 3p24.3.
Variant type: Duplication.
Coding change: c.1366_1371dup on transcript NM_002971.6 (MANE Select); coding-DNA positions 1366 to 1371, 6 bases duplicated (TCGGCC; older notation c.1366_1371dupTCGGCC).
Protein change: p.Ala457_Met458insSerAla.
Molecular consequence: inframe insertion.
Genome position (GRCh38, 1-based): chr3:18,386,447-18,386,452, GGCCGA duplicated on the plus strand (TCGGCC on the coding strand, the reverse complement: SATB1 is on the minus strand); duplicating any 6 consecutive bases within chr3:18,386,447-18,386,455 gives the same sequence; the c. name uses the placement nearest the transcript's 3' end. VCF-style (leftmost placement, unchanged base first): chr3-18386446-T-TGGCCGA. GRCh37 (hg19) VCF-style: chr3-18427938-T-TGGCCGA.
Other names: c.1366_1371dup, p.Ala457_Met458insSerAla (NM_001131010.4, NM_001195470.3, NM_001322871.2 and 4 more transcripts); c.1150_1155dup, p.Ala385_Met386insSerAla (NM_001322876.2).
Identifiers: ClinVar variation 3063581 (VCV003063581.9), dbSNP rs1260595479, ClinGen allele CA432671328.